The following is an entry in ClinVar:

NM_003051.4(SLC16A1):c.1384A>G (p.Lys462Glu)

Gene: SLC16A1 (solute carrier family 16 member 1; minus strand). Cytogenetic location: 1p13.2.
Variant type: single nucleotide variant.
Coding change: c.1384A>G on transcript NM_003051.4 (MANE Select); coding-DNA position 1384, A replaced by G.
Protein change: p.Lys462Glu; replaces lysine 462 with glutamic acid.
Molecular consequence: missense variant.
Genome position (GRCh38, 1-based): chr1:112,914,010, T>C on the plus strand (A>G on the coding strand, the complement: SLC16A1 is on the minus strand). VCF-style: chr1-112914010-T-C. GRCh37 (hg19) VCF-style: chr1-113456632-T-C.
Other names: c.1384A>G, p.Lys462Glu (NM_001166496.2); short protein forms K462E.
Identifiers: ClinVar variation 2962832 (VCV002962832.3), dbSNP rs746152220, ClinGen allele CA1011250.

ClinVar aggregate classification (germline): Uncertain significance (1 of 4 stars; one submission).

Allele frequency attached by ClinVar (database versions not stated): gnomAD exomes below 0.00001; ExAC 0.00001.
gnomAD v4.1: 7 of 1,614,204 alleles (0.00043%); highest among the groups gnomAD compares: South Asian, 0.0011%; no homozygotes.

Submission:

Labcorp Genetics (formerly Invitae), Labcorp
Classification: Uncertain significance. Last evaluated: 2023-08-10. Review status: criteria provided, single submitter. Criteria: Invitae Variant Classification Sherloc (09022015). Collection method: clinical testing. Allele origin: germline.
Comment: This sequence change replaces lysine, which is basic and polar, with glutamic acid, which is acidic and polar, at codon 462 of the SLC16A1 protein (p.Lys462Glu). This variant is present in population databases (rs746152220, gnomAD 0.003%). This variant has not been reported in the literature in individuals affected with SLC16A1-related conditions. An algorithm developed to predict the effect of missense changes on protein structure and function (PolyPhen-2) suggests that this variant is likely to be tolerated. In summary, the available evidence is currently insufficient to determine the role of this variant in disease. Therefore, it has been classified as a Variant of Uncertain Significance.